The following is an entry in ClinVar:

ClinVar aggregate classification (germline): Uncertain significance (1 of 4 stars; one submission).

Allele frequency attached by ClinVar (database versions not stated): gnomAD exomes below 0.00001; gnomAD 0.00001.
gnomAD v4.1: 6 of 1,613,758 alleles (0.00037%); highest among the groups gnomAD compares: East Asian, 0.0022%; no homozygotes.

Submission:

Labcorp Genetics (formerly Invitae), Labcorp
Classification: Uncertain significance. Last evaluated: 2023-05-04. Review status: criteria provided, single submitter. Criteria: Invitae Variant Classification Sherloc (09022015). Collection method: clinical testing. Allele origin: germline.
Comment: This sequence change replaces asparagine, which is neutral and polar, with serine, which is neutral and polar, at codon 580 of the AGAP1 protein (p.Asn580Ser). This variant is not present in population databases (gnomAD no frequency). This variant has not been reported in the literature in individuals affected with AGAP1-related conditions. An algorithm developed to predict the effect of missense changes on protein structure and function (PolyPhen-2) suggests that this variant is likely to be tolerated. In summary, the available evidence is currently insufficient to determine the role of this variant in disease. Therefore, it has been classified as a Variant of Uncertain Significance.

NM_001037131.3(AGAP1):c.1898A>G (p.Asn633Ser)

Gene: AGAP1 (ArfGAP with GTPase domain, ankyrin repeat and PH domain 1; plus strand). Cytogenetic location: 2q37.2.
Variant type: single nucleotide variant.
Coding change: c.1898A>G on transcript NM_001037131.3 (MANE Select); coding-DNA position 1898, A replaced by G.
Protein change: p.Asn633Ser; replaces asparagine 633 with serine.
Molecular consequence: missense variant.
Genome position (GRCh38, 1-based): chr2:236,049,065, A>G. VCF-style: chr2-236049065-A-G. GRCh37 (hg19) VCF-style: chr2-236957709-A-G.
Other names: c.1739A>G, p.Asn580Ser (NM_014914.5); short protein forms N633S, N580S.
Identifiers: ClinVar variation 2834598 (VCV002834598.3), dbSNP rs2057816797, ClinGen allele CA351166946.